The following is an entry in ClinVar:

ClinVar aggregate classification (germline): Uncertain significance. Review status: reviewed by expert panel (3 of 4 stars). 3 submissions from 3 submitters: Uncertain significance (1). 2 of the submissions do not count toward it. Last evaluated 2018-12-10.

Conditions:
Phenylketonuria (PKU). Also called: Phenylketonuria (PKU); FOLLING DISEASE; OLIGOPHRENIA PHENYLPYRUVICA; Phenylketonurias. Identifiers: Orphanet 716, MedGen C0031485, MONDO:0009861, OMIM 261600. Disease mechanism: loss of function.

Allele frequency attached by ClinVar (database versions not stated): gnomAD exomes below 0.00001.
gnomAD v4.1: 2 of 1,613,514 alleles (0.00012%); highest among the groups gnomAD compares: Non-Finnish European, 0.00017%; no homozygotes.

Submissions (3):

ClinGen PAH Variant Curation Expert Panel
Classification: Uncertain significance for Phenylketonuria. Last evaluated: 2018-12-10. Review status: reviewed by expert panel. Criteria: ClinGen PAH ACMG Specifications v1. Collection method: curation. Allele origin: germline. Inheritance: Autosomal recessive inheritance.
Comment: Other causes of hyperphenylalaninemia had been ruled out. (PMID: 8406445). It was in cis with a p.H64N variant (No assertion provided, ClinVar). The c.187A>C variant is absent from ExAC, gnomAD, 1000G, and ESP. There are conflicting predictions of pathogenicity: SIFT:T,D; Polyphen2:D,P; MutationTaster:Disease causing; REVEL:0.768. In summary, this variant meets criteria to be classified as uncertain significance for PAH. PAH-specific ACMG/AMP criteria applied: PM2, PP4_Moderate.

GeneDx
Classification: Likely pathogenic. Last evaluated: 2018-11-30. Review status: criteria provided, single submitter. Criteria: GeneDx Variant Classification Process June 2021. Collection method: clinical testing. Allele origin: germline. Affected: yes. Not counted in ClinVar's aggregate classification.
Comment: Not observed in large population cohorts (Lek et al., 2016); Missense variants in this gene are often considered pathogenic (Stenson et al., 2014); In silico analysis supports that this missense variant has a deleterious effect on protein structure/function; This variant is associated with the following publications: (PMID: 32668217, 11161839, 30037505)

DeBelle Laboratory for Biochemical Genetics, MUHC/MCH RESEARCH INSTITUTE
No classification provided. Review status: no classification provided. Collection method: not provided. Allele origin: not provided. Not counted in ClinVar's aggregate classification.

Literature cited by the submitters: PubMed 8406445 (cited by ClinGen PAH Variant Curation Expert Panel).

NM_000277.3(PAH):c.187A>C (p.Thr63Pro)

Gene: PAH (phenylalanine hydroxylase; minus strand). Cytogenetic location: 12q23.2.
Variant type: single nucleotide variant.
Coding change: c.187A>C on transcript NM_000277.3 (MANE Select); coding-DNA position 187, A replaced by C.
Protein change: p.Thr63Pro; replaces threonine 63 with proline.
Molecular consequence: missense variant.
Genome position (GRCh38, 1-based): chr12:102,894,900, T>G on the plus strand (A>C on the coding strand, the complement: PAH is on the minus strand). VCF-style: chr12-102894900-T-G. GRCh37 (hg19) VCF-style: chr12-103288678-T-G.
Other names: NM_000277.2(PAH):c.187A>C; c.187A>C, p.Thr63Pro (NM_001354304.2); short protein forms T63P.
Identifiers: ClinVar variation 102619 (VCV000102619.5), dbSNP rs199475568, ClinGen allele CA229473.